The following is an entry in ClinVar:

NM_001048174.2(MUTYH):c.718C>T (p.Gln240Ter)

Gene: MUTYH (mutY DNA glycosylase; minus strand). Cytogenetic location: 1p34.1.
Variant type: single nucleotide variant.
Coding change: c.718C>T on transcript NM_001048174.2 (MANE Select); coding-DNA position 718, C replaced by T.
Protein change: p.Gln240Ter; replaces glutamine 240 with a stop codon.
Molecular consequence: nonsense. On other transcripts: non-coding transcript variant (7).
Genome position (GRCh38, 1-based): chr1:45,332,297, G>A on the plus strand (C>T on the coding strand, the complement: MUTYH is on the minus strand). VCF-style: chr1-45332297-G-A. GRCh37 (hg19) VCF-style: chr1-45797969-G-A.
Other names: c.751C>T, p.Gln251Ter (NM_001293191.2, NM_001407069.1, NM_001407077.1); c.442C>T, p.Gln148Ter (NM_001293192.2, NM_001293196.2, NM_001407091.1); c.718C>T, p.Gln240Ter (NM_001293195.2, NM_001407070.1, NM_001407088.1 and 6 more transcripts); c.373C>T, p.Gln125Ter (NM_001350650.2, NM_001350651.2, NM_001407082.1); c.721C>T, p.Gln241Ter (NM_001407071.1, NM_001407086.1, NM_001407078.1 and 1 more transcripts); c.760C>T, p.Gln254Ter (NM_001407085.1, NM_001407083.1); c.739C>T, p.Gln247Ter (NM_001407087.1); c.793C>T, p.Gln265Ter (NM_012222.3); and 5 more; short protein forms Q148*, Q247*, Q125*, Q226*, Q241*, Q212*, Q227*, Q240*.
Identifiers: ClinVar variation 2814784 (VCV002814784.3), dbSNP rs2149140738, ClinGen allele CA340134705.

ClinVar aggregate classification (germline): Pathogenic (1 of 4 stars; one submission).

Conditions:
Familial adenomatous polyposis 2. Also called: MUTYH-related attenuated familial adenomatous polyposis; COLORECTAL ADENOMATOUS POLYPOSIS, AUTOSOMAL RECESSIVE; ADENOMAS, MULTIPLE COLORECTAL, AUTOSOMAL RECESSIVE; MYH-associated polyposis; MUTYH-associated polyposis; MUTYH Polyposis. Identifiers: Orphanet 220460, Orphanet 247798, MedGen C3272841, MONDO:0012041, OMIM 608456.

Allele frequency attached by ClinVar (database versions not stated): gnomAD exomes below 0.00001.

Submission:

Labcorp Genetics (formerly Invitae), Labcorp
Classification: Pathogenic for Familial adenomatous polyposis 2. Last evaluated: 2022-11-16. Review status: criteria provided, single submitter. Criteria: Invitae Variant Classification Sherloc (09022015). Collection method: clinical testing. Allele origin: germline.
Comment: For these reasons, this variant has been classified as Pathogenic. This variant has not been reported in the literature in individuals affected with MUTYH-related conditions. This variant is not present in population databases (gnomAD no frequency). This sequence change creates a premature translational stop signal (p.Gln268*) in the MUTYH gene. It is expected to result in an absent or disrupted protein product. Loss-of-function variants in MUTYH are known to be pathogenic (PMID: 18534194, 20663686).

Literature cited by the submitters: PubMed 18534194; PubMed 20663686.